The following is an entry in ClinVar:

ClinVar aggregate classification (germline): Pathogenic/Likely pathogenic. Review status: criteria provided, multiple submitters, no conflicts (2 of 4 stars). 22 submissions from 21 submitters: Pathogenic (14); Likely pathogenic (3). 5 of the submissions do not count toward it. Last evaluated 2026-09-07.

Conditions:
Focal segmental glomerulosclerosis 9 (FSGS9). Identifiers: Orphanet 656, MedGen C4015555, MONDO:0014539, OMIM 616220.
Ventriculomegaly-cystic kidney disease. Also called: Ventriculomegaly with cystic kidney disease. Identifiers: Orphanet 443988, MedGen C1857423, MONDO:0009063, OMIM 219730.
Steroid-resistant nephrotic syndrome. Identifiers: MedGen C0403397, MONDO:0044765, HP:0012588.
Fetal anomalies with a likely genetic cause.
Autosomal recessive CRB2-related disorders.
CRB2-related disorder. Also called: CRB2-related condition; CRB2-related disorders.
Inborn genetic diseases. Identifiers: MedGen C0950123, MeSH D030342.

Submissions 1 to 13 of 22:

Genetics Laboratory, Great Ormond Street Hospital NHS Foundation Trust, North Thames Genomic Laboratory Hub
Classification: Pathogenic for Fetal anomalies with a likely genetic cause. Last evaluated: 2026-09-07. Review status: criteria provided, single submitter. Criteria: ACGS Best Practice Guidelines for Variant Classification in Rare Disease 2024 v1.2. Collection method: clinical testing. Allele origin: germline. Affected: yes.
Comment: PM2_moderate, PVS1_very-strong, PM3_moderate

PreventionGenetics, part of Exact Sciences
Classification: Pathogenic for CRB2-related condition. Last evaluated: 2026-06-23. Review status: criteria provided, single submitter. Criteria: ACMG Guidelines, 2015. Collection method: clinical testing. Allele origin: germline.
Comment: The CRB2 c.3089_3104dup16 variant is predicted to result in a frameshift and premature protein termination (p.Gly1036Alafs*43). This variant has been reported in the compound heterozygous state in patients or fetuses with CRB2-related disorders (Ebarasi et al. 2015. PubMed ID: 25557779; Jaron et al. 2016. PubMed ID: 26925547; Tessier et al. 2023. PubMed ID: 36803301). This variant is reported in 0.15% of alleles in individuals of European (Non-Finnish) descent in gnomAD. Frameshift variants in CRB2 are expected to be pathogenic. This variant is interpreted as pathogenic.

Molecular Genetics laboratory, Necker Hospital
Classification: Likely pathogenic for Ventriculomegaly-cystic kidney disease. Last evaluated: 2026-06-20. Review status: criteria provided, single submitter. Criteria: ACMG Guidelines, 2015. Collection method: clinical testing. Allele origin: maternal. Affected: yes. Observed: 2 variant alleles.
Comment: The NM_173689.7(CRB2):c.3089_3104dup is a frameshift variant in CRB2 which is predicted to result in a premature STOP codon (43 aminoacids downstream of the Ala at position 103) and likely results in an absent or disrupted protein product in a gene where loss-of-function is a known mechanism of disease (PVS1). This variant has already been reported as Pathogenic/Likely Pathogenic in Clinvar (variation ID: 1324169, PP5). This variant has been detected in trans with the pathogenic variant NM_173689.7(CRB2):c.2400C>A in two fetal sibs (PM3). In summary, this variant meets criteria to be classified as pathogenic for ventriculomegaly with cystic kidney disease based on the ACMG/AMP criteria applied: PS1, PM1, PM3, PP5 (PMID: 25741868).

Variantyx, Inc.
Classification: Pathogenic for Focal segmental glomerulosclerosis 9. Last evaluated: 2025-08-14. Review status: criteria provided, single submitter. Criteria: Variantyx Assertion Criteria 2022. Collection method: clinical testing. Allele origin: germline. Inheritance: Autosomal recessive inheritance.
Comment: This is a frameshift variant in the CRB2 gene (OMIM: 609720). Pathogenic variants in this gene have been associated with autosomal recessive focal segmental glomerulosclerosis 9. This variant introduces a premature termination codon in exon 10 out of 13 and is expected to result in loss of function, which is a known disease mechanism for CRB2 in this disorder (PMID: 27942854, 30212996, 25557779) (PVS1). This variant has been identified in the homozygous or compound heterozygous state in the current proband and at least five individuals reported in the published literature (PMID: 27004616, 25557779, 36803301, 26925547) (PM3_Strong) and has been observed to segregate with disease in at least four individuals from two families (PMID: 36803301, 26925547) (PP1). This variant has a 0.1959% maximum allele frequency in non-founder control populations. Recent literature suggests pathogenic variants located in exons 8 and 10 are associated with extra-renal findings including ventriculomegaly (PMID: 36071576). Based on the current evidence, this variant is classified as pathogenic for autosomal recessive focal segmental glomerulosclerosis 9.

Variantyx, Inc.
Classification: Pathogenic for Autosomal recessive CRB2-related disorders. Last evaluated: 2025-03-10. Review status: criteria provided, single submitter. Criteria: Variantyx Assertion Criteria 2022. Collection method: clinical testing. Allele origin: germline.
Comment: This is a frameshift variant in the CRB2 gene (OMIM: 609720). Pathogenic variants in this gene have been associated with autosomal recessive CRB2-related disorders. This variant introduces a premature termination codon in exon 10 out of 13. It is expected to result in loss of function, which is a known disease mechanism for CRB2 in this disorder (PMID: 27942854, 25557779) (PVS1). This variant has been identified in the homozygous or compound heterozygous state in one or more of the following: the current proband, at least 6 individual(s) from the published literature (PMID: 27004616, 25557779, 36803301, 26925547), or previous internal cases (PM3_Strong). This variant has been observed to segregate with disease in at least 4 individuals from two families (PMID: 36803301, 26925547) (PP1). This variant has a 0.1959% maximum allele frequency in non-founder control populations. Based on the current evidence, this variant is classified as pathogenic for autosomal recessive CRB2-related disorders.

Laboratory of Genetics, Children's Clinical University Hospital Latvia
Classification: Likely pathogenic. Last evaluated: 2025-02-16. Review status: criteria provided, single submitter. Criteria: ACMG Guidelines, 2015. Collection method: clinical testing. Allele origin: germline. Affected: yes.

Labcorp Genetics (formerly Invitae), Labcorp
Classification: Pathogenic. Last evaluated: 2025-01-11. Review status: criteria provided, single submitter. Criteria: Invitae Variant Classification Sherloc (09022015). Collection method: clinical testing. Allele origin: germline.
Comment: This sequence change creates a premature translational stop signal (p.Gly1036Alafs*43) in the CRB2 gene. It is expected to result in an absent or disrupted protein product. Loss-of-function variants in CRB2 are known to be pathogenic (PMID: 27942854, 30212996). This variant is present in population databases (no rsID available, gnomAD 0.2%), and has an allele count higher than expected for a pathogenic variant. This premature translational stop signal has been observed in individual(s) with clinical features of CRB2-related conditions (PMID: 25557779, 27004616). It has also been observed to segregate with disease in related individuals. ClinVar contains an entry for this variant (Variation ID: 180701). For these reasons, this variant has been classified as Pathogenic.

Blueprint Genetics
Classification: Pathogenic for CRB2-related disorders. Last evaluated: 2024-10-11. Review status: criteria provided, single submitter. Criteria: ACMG Guidelines, 2015. Collection method: clinical testing. Allele origin: germline. Affected: yes. Observed: 5 variant alleles.

MVZ Medizinische Genetik Mainz
Classification: Pathogenic for Focal segmental glomerulosclerosis 9. Last evaluated: 2024-07-04. Review status: criteria provided, single submitter. Criteria: UK Practice Guidelines For Variant Classification V4 01 2020. Collection method: clinical testing. Allele origin: germline. Inheritance: Autosomal recessive inheritance. Affected: yes. Observed: 1 variant allele.
Comment: ACMG Criteria: PVS1,PM3_VSTR,PP1_STR,PP4; Compound Heterozygote

GeneDx
Classification: Pathogenic. Last evaluated: 2024-05-29. Review status: criteria provided, single submitter. Criteria: GeneDx Variant Classification Process June 2021. Collection method: clinical testing. Allele origin: germline. Affected: yes.
Comment: Frame-shift variant predicted to result in protein truncation or nonsense mediated decay in a gene for which loss-of-function is a known mechanism of disease; Not observed at significant frequency in large population cohorts (gnomAD); This variant is associated with the following publications: (PMID: 34670123, 32581362, 26925547, 31294511, 25557779, 27004616, 36071576, 36803301)

Department of Pathology and Laboratory Medicine, Sinai Health System
Classification: Pathogenic for Focal segmental glomerulosclerosis 9. Last evaluated: 2023-08-28. Review status: criteria provided, single submitter. Criteria: ACMG Guidelines, 2015. Collection method: research. Allele origin: germline.

Revvity Omics, Revvity
Classification: Pathogenic. Last evaluated: 2022-04-26. Review status: criteria provided, single submitter. Criteria: ACMG Guidelines, 2015. Collection method: clinical testing. Allele origin: germline.

Fulgent Genetics
Classification: Pathogenic for Ventriculomegaly-cystic kidney disease; Focal segmental glomerulosclerosis 9. Last evaluated: 2022-01-17. Review status: criteria provided, single submitter. Criteria: ACMG Guidelines, 2015. Collection method: clinical testing. Allele origin: unknown.

NM_173689.7(CRB2):c.3089_3104dup (p.Gly1036fs)

Gene: CRB2 (crumbs cell polarity complex component 2; plus strand). Cytogenetic location: 9q33.3.
Variant type: Duplication.
Coding change: c.3089_3104dup on transcript NM_173689.7 (MANE Select); coding-DNA positions 3089 to 3104, 16 bases duplicated (GGCCCGGCGCGGCCCC).
Protein change: p.Gly1036fs; shifts the reading frame from glycine 1036.
Molecular consequence: frameshift variant. On other transcripts: non-coding transcript variant (1).
Genome position (GRCh38, 1-based): chr9:123,373,620-123,373,635, GGCCCGGCGCGGCCCC duplicated; duplicating any 16 consecutive bases within chr9:123,373,609-123,373,635 gives the same sequence; the c. name uses the placement nearest the transcript's 3' end. VCF-style (leftmost placement, unchanged base first): chr9-123373608-T-TGGCGCGGCCCCGGCCC. GRCh37 (hg19) VCF-style: chr9-126135887-T-TGGCGCGGCCCCGGCCC.
Other names: c.3089_3104dupGGCCCGGCGCGGCCCC (NM_173689.6); short protein forms G1036fs.
Identifiers: ClinVar variation 180701 (VCV000180701.36), dbSNP rs879255251, ClinGen allele CA10575686.